The following is an entry in ClinVar:

NM_000053.4(ATP7B):c.1198A>G (p.Thr400Ala)

Gene: ATP7B (ATPase copper transporting beta; minus strand). Cytogenetic location: 13q14.3.
Variant type: single nucleotide variant.
Coding change: c.1198A>G on transcript NM_000053.4 (MANE Select); coding-DNA position 1198, A replaced by G.
Protein change: p.Thr400Ala; replaces threonine 400 with alanine.
Molecular consequence: missense variant.
Genome position (GRCh38, 1-based): chr13:51,974,022, T>C on the plus strand (A>G on the coding strand, the complement: ATP7B is on the minus strand). VCF-style: chr13-51974022-T-C. GRCh37 (hg19) VCF-style: chr13-52548158-T-C.
Other names: c.1198A>G, p.Thr400Ala (NM_001005918.3, NM_001330578.2, NM_001330579.2); c.865A>G, p.Thr289Ala (NM_001243182.2); short protein forms T400A, T289A.
Identifiers: ClinVar variation 649543 (VCV000649543.27), dbSNP rs199807461, ClinGen allele CA6989414.
Genomic context (GRCh38, chr13:51,974,022, plus strand): 5'-TGTCTTCTATAGCAGCTCTGAGTTCTTCTGGGCTAATTACAGAGGGATTATAAAGAACTG[T>C]TGCAGTCCCTTCGGCCAAAGACACCGATATTTGCTGCACCCCTTCCAGTTGGGAGATCAT-3'
Protein context (NP_000044.2, residues 390-410): ISVSLAEGTA[Thr400Ala]VLYNPSVISP

ClinVar aggregate classification (germline): Conflicting classifications of pathogenicity. Review status: criteria provided, conflicting classifications (1 of 4 stars). 8 submissions from 8 submitters: Uncertain significance (4); Likely benign (2). 2 of the submissions do not count toward it. Last evaluated 2026-09-24.

Conditions:
Wilson disease (WND). Also called: Wilson's disease. Identifiers: Orphanet 905, MedGen C0019202, MONDO:0010200, OMIM 277900. Disease mechanism: loss of function.
ATP7B-related disorder. Also called: ATP7B-related condition.

Allele frequency attached by ClinVar (database versions not stated): gnomAD exomes 0.00004 and 0.00015; 1000 Genomes Project 30x 0.00094; gnomAD 0.00066 and 0.00061; 1000 Genomes Project 0.00080; ExAC 0.00014; ESP Exome Variant Server 0.00057; TOPMed 0.00060.
gnomAD v4.1: 155 of 1,614,254 alleles (0.0096%); highest among the groups gnomAD compares: African/African-American, 0.17%; no homozygotes.

Submissions (8):

GeneDx
Classification: Uncertain significance. Last evaluated: 2026-09-24. Review status: criteria provided, single submitter. Criteria: GeneDx Variant Classification Process June 2021. Collection method: clinical testing. Allele origin: germline.
Comment: In silico analysis supports that this missense variant has a deleterious effect on protein structure/function; Has not been previously reported as pathogenic or benign in association with neurodevelopmental disorders to our knowledge; This variant is associated with the following publications: (PMID: 35637795)

Labcorp Genetics (formerly Invitae), Labcorp
Classification: Likely benign for Wilson disease. Last evaluated: 2026-01-28. Review status: criteria provided, single submitter. Criteria: Invitae Variant Classification Sherloc (09022015). Collection method: clinical testing. Allele origin: germline.

Color Diagnostics, LLC DBA Color Health
Classification: Likely benign for Wilson disease. Last evaluated: 2025-06-11. Review status: criteria provided, single submitter. Criteria: ACMG Guidelines, 2015. Collection method: clinical testing. Allele origin: germline.

All of Us Research Program, National Institutes of Health
Classification: Uncertain significance for Wilson disease. Last evaluated: 2024-09-23. Review status: criteria provided, single submitter. Criteria: ACMG Guidelines, 2015. Collection method: clinical testing. Allele origin: germline. Inheritance: Autosomal recessive inheritance. Observed: 49 variant alleles, 49 heterozygotes.
Comment: This missense variant replaces threonine with alanine at codon 400 of the ATP7B protein. Computational prediction suggests that this variant may not impact protein structure and function (internally defined REVEL score threshold <= 0.5, PMID: 27666373). To our knowledge, functional studies have not been reported for this variant. This variant has not been reported in individuals affected with ATP7B-related disorders in the literature. This variant has been identified in 52/280962 chromosomes in the general population by the Genome Aggregation Database (gnomAD). The available evidence is insufficient to determine the role of this variant in disease conclusively. Therefore, this variant is classified as a Variant of Uncertain Significance.

This study involves interpretation of variants in research participants for the purpose of population health screening. Participant phenotype was not available at the time of variant classification. Additional details can be found in publication PMID: 35346344, PMCID: PMC8962531

Genome-Nilou Lab
Classification: Uncertain significance for Wilson disease. Last evaluated: 2021-08-10. Review status: criteria provided, single submitter. Criteria: ACMG Guidelines, 2015. Collection method: clinical testing. Allele origin: germline. Affected: no.

Mayo Clinic Laboratories, Mayo Clinic
Classification: Uncertain significance. Last evaluated: 2019-12-26. Review status: criteria provided, single submitter. Criteria: ACMG Guidelines, 2015. Collection method: clinical testing. Allele origin: germline. Observed: 1 variant allele.

PreventionGenetics, part of Exact Sciences
Classification: Likely benign for ATP7B-related condition. Last evaluated: 2022-09-10. Review status: no assertion criteria provided. Collection method: clinical testing. Allele origin: germline. Not counted in ClinVar's aggregate classification.
Comment: This variant is classified as likely benign based on ACMG/AMP sequence variant interpretation guidelines (Richards et al. 2015 PMID: 25741868, with internal and published modifications).

Natera, Inc.
Classification: Uncertain significance for Wilson disease. Last evaluated: 2020-09-16. Review status: no assertion criteria provided. Collection method: clinical testing. Allele origin: germline. Not counted in ClinVar's aggregate classification.